The following is an entry in ClinVar:

ClinVar aggregate classification (germline): Pathogenic (1 of 4 stars; one submission).

Conditions:
Peroxisome biogenesis disorder. Identifiers: Orphanet 79189, MedGen C1832200, MONDO:0019234. Disease mechanism: loss of function.

Submission:

Labcorp Genetics (formerly Invitae), Labcorp
Classification: Pathogenic for Peroxisome biogenesis disorder. Last evaluated: 2021-08-26. Review status: criteria provided, single submitter. Criteria: Invitae Variant Classification Sherloc (09022015). Collection method: clinical testing. Allele origin: germline.
Comment: A gross deletion of the genomic region encompassing the full coding sequence of the PEX16 gene has been identified. Loss-of-function variants in PEX16 are known to be pathogenic (PMID: 9837814, 11890679, 20647552, 20681997). The boundaries of this event are unknown as they extend beyond the assayed region for this gene and therefore may encompass additional genes. This variant has not been reported in the literature in individuals affected with PEX16-related conditions. For these reasons, this variant has been classified as Pathogenic.

Literature cited by the submitters: PubMed 9837814; PubMed 11890679; PubMed 20647552; PubMed 20681997.

NC_000011.9:g.(?_45827353)_(46401497_?)del

Genes: PHF21A (PHD finger protein 21A; minus strand), PEX16 (peroxisomal biogenesis factor 16; minus strand), FREY1 (Frey regulator of sperm-oocyte fusion 1; minus strand), CREB3L1 (cAMP responsive element binding protein 3 like 1; plus strand), SLC35C1 (solute carrier family 35 member C1; plus strand) and 4 more. Cytogenetic location: 11p11.2.
Variant type: Deletion.
Identifiers: ClinVar variation 1457696 (VCV001457696.6).